The following is an entry in ClinVar:

ClinVar aggregate classification (germline): Uncertain significance (1 of 4 stars; one submission).

Conditions:
Developmental and epileptic encephalopathy, 23 (DEE23). Also called: Epileptic encephalopathy, early infantile, 23. Identifiers: Orphanet 411986, MedGen C4014492, MONDO:0014371, OMIM 615859.

Allele frequency attached by ClinVar (database versions not stated): gnomAD exomes below 0.00001.

Submission:

Labcorp Genetics (formerly Invitae), Labcorp
Classification: Uncertain significance for Developmental and epileptic encephalopathy, 23. Last evaluated: 2020-04-09. Review status: criteria provided, single submitter. Criteria: Invitae Variant Classification Sherloc (09022015). Collection method: clinical testing. Allele origin: germline.
Comment: In summary, the available evidence is currently insufficient to determine the role of this variant in disease. Therefore, it has been classified as a Variant of Uncertain Significance. Nucleotide substitutions within the consensus splice site are a relatively common cause of aberrant splicing (PMID: 17576681, 9536098). Algorithms developed to predict the effect of sequence changes on RNA splicing suggest that this variant is not likely to affect RNA splicing, but this prediction has not been confirmed by published transcriptional studies. This variant has not been reported in the literature in individuals with DOCK7-related conditions. This variant is not present in population databases (ExAC no frequency). This sequence change falls in intron 32 of the DOCK7 gene. It does not directly change the encoded amino acid sequence of the DOCK7 protein, but it affects a nucleotide within the consensus splice site of the intron.

Literature cited by the submitters: PubMed 17576681; PubMed 9536098.

NM_001367561.1(DOCK7):c.4120-3T>C

Gene: DOCK7 (dedicator of cytokinesis 7; minus strand). Cytogenetic location: 1p31.3.
Variant type: single nucleotide variant.
Coding change: c.4120-3T>C on transcript NM_001367561.1 (MANE Select); 3 bases into the intron before coding-DNA position 4120, T replaced by C.
Molecular consequence: intron variant.
Genome position (GRCh38, 1-based): chr1:62,513,609, A>G on the plus strand (T>C on the coding strand, the complement: DOCK7 is on the minus strand). VCF-style: chr1-62513609-A-G. GRCh37 (hg19) VCF-style: chr1-62979280-A-G.
Other names: c.4027-3T>C (NM_001272001.2, NM_001272000.2, NM_033407.4); c.4120-3T>C (NM_001271999.2, NM_001330614.2).
Identifiers: ClinVar variation 1061989 (VCV001061989.9), dbSNP rs1289950764, ClinGen allele CA523751907.
Genomic context (GRCh38, chr1:62,513,609, plus strand): 5'-TCATGTCTTTTGATTTCTTAAAGGTCAAGCTATTCATTCGTTCAAACACTTTTTTCCCCT[A>G]AAATGTAAACATTAGAAGAGAAGAGGTATTGAGGAAATTTTCTTCTATTTTTTCCACATT-3'